The following is an entry in ClinVar:

NM_001145715.3(KPNA7):c.66+4A>T

Gene: KPNA7 (karyopherin subunit alpha 7; minus strand). Cytogenetic location: 7q22.1.
Variant type: single nucleotide variant.
Coding change: c.66+4A>T on transcript NM_001145715.3 (MANE Select); 4 bases into the intron after coding-DNA position 66, A replaced by T.
Molecular consequence: intron variant.
Genome position (GRCh38, 1-based): chr7:99,207,397, T>A on the plus strand (A>T on the coding strand, the complement: KPNA7 is on the minus strand). VCF-style: chr7-99207397-T-A. GRCh37 (hg19) VCF-style: chr7-98805020-T-A.
Identifiers: ClinVar variation 1051438 (VCV001051438.6), dbSNP rs1235970129, ClinGen allele CA576682936.

ClinVar aggregate classification (germline): Uncertain significance (1 of 4 stars; one submission).

Allele frequency attached by ClinVar (database versions not stated): gnomAD exomes 0.00001 and 0.00003; TOPMed 0.00002.
gnomAD v4.1: 7 of 1,551,256 alleles (0.00045%); highest among the groups gnomAD compares: Admixed American, 0.014%; no homozygotes.

Submission:

Labcorp Genetics (formerly Invitae), Labcorp
Classification: Uncertain significance. Last evaluated: 2022-06-30. Review status: criteria provided, single submitter. Criteria: Invitae Variant Classification Sherloc (09022015). Collection method: clinical testing. Allele origin: germline.
Comment: This sequence change falls in intron 1 of the KPNA7 gene. It does not directly change the encoded amino acid sequence of the KPNA7 protein. It affects a nucleotide within the consensus splice site. This variant is present in population databases (no rsID available, gnomAD 0.02%). This variant has not been reported in the literature in individuals affected with KPNA7-related conditions. ClinVar contains an entry for this variant (Variation ID: 1051438). Variants that disrupt the consensus splice site are a relatively common cause of aberrant splicing (PMID: 17576681, 9536098). Algorithms developed to predict the effect of sequence changes on RNA splicing suggest that this variant may disrupt the consensus splice site. In summary, the available evidence is currently insufficient to determine the role of this variant in disease. Therefore, it has been classified as a Variant of Uncertain Significance.

Literature cited by the submitters: PubMed 17576681; PubMed 9536098.